The following is an entry in ClinVar:

ClinVar aggregate classification (germline): Conflicting classifications of pathogenicity. Review status: criteria provided, conflicting classifications (1 of 4 stars). 5 submissions from 5 submitters: Uncertain significance (1); Benign (1); Likely benign (1). 2 of the submissions do not count toward it. Last evaluated 2025-12-15.

Conditions:
TCIRG1-related disorder. Also called: TCIRG1-related condition.
Autosomal recessive osteopetrosis 1. Also called: TCIRG1-Related Autosomal Recessive Osteopetrosis; ALBERS-SCHONBERG DISEASE, AUTOSOMAL RECESSIVE; TCIRG1-Related Osteopetrosis. Identifiers: Orphanet 667, MedGen C1850127, MONDO:0009815, OMIM 259700.

Allele frequency attached by ClinVar (database versions not stated): gnomAD exomes 0.00007 and 0.00018; ESP Exome Variant Server 0.00032; ExAC 0.00039; 1000 Genomes Project 0.00060; TOPMed 0.00074; 1000 Genomes Project 30x 0.00078; gnomAD 0.00080 and 0.00088.

Submissions (5):

Labcorp Genetics (formerly Invitae), Labcorp
Classification: Benign. Last evaluated: 2025-12-15. Review status: criteria provided, single submitter. Criteria: Invitae Variant Classification Sherloc (09022015). Collection method: clinical testing. Allele origin: germline.

Blueprint Genetics
Classification: Likely benign. Last evaluated: 2024-11-14. Review status: criteria provided, single submitter. Criteria: ACMG Guidelines, 2015. Collection method: clinical testing. Allele origin: germline.

Eurofins Ntd Llc (ga)
Classification: Uncertain significance. Last evaluated: 2015-04-23. Review status: criteria provided, single submitter. Criteria: EGL Classification Definitions 2015. Collection method: clinical testing. Allele origin: germline. Observed: 1 variant allele, 1 heterozygote.

PreventionGenetics, part of Exact Sciences
Classification: Likely benign for TCIRG1-related condition. Last evaluated: 2022-02-04. Review status: no assertion criteria provided. Collection method: clinical testing. Allele origin: germline. Not counted in ClinVar's aggregate classification.
Comment: This variant is classified as likely benign based on ACMG/AMP sequence variant interpretation guidelines (Richards et al. 2015 PMID: 25741868, with internal and published modifications).

Natera, Inc.
Classification: Uncertain significance for Infantile malignant osteopetrosis. Last evaluated: 2020-04-15. Review status: no assertion criteria provided. Collection method: clinical testing. Allele origin: germline. Not counted in ClinVar's aggregate classification.

NM_006019.4(TCIRG1):c.197-5C>T

Gene: TCIRG1 (T cell immune regulator 1, ATPase H+ transporting V0 subunit a3; plus strand). Cytogenetic location: 11q13.2.
Variant type: single nucleotide variant.
Coding change: c.197-5C>T on transcript NM_006019.4 (MANE Select); 5 bases into the intron before coding-DNA position 197, C replaced by T.
Molecular consequence: intron variant.
Genome position (GRCh38, 1-based): chr11:68,042,638, C>T. VCF-style: chr11-68042638-C-T. GRCh37 (hg19) VCF-style: chr11-67810105-C-T.
Other names: c.-1053-5C>T (NM_001351059.2).
Identifiers: ClinVar variation 197263 (VCV000197263.20), dbSNP rs183885218, ClinGen allele CA245300.